The following is an entry in ClinVar:

ClinVar aggregate classification (germline): Conflicting classifications of pathogenicity. Review status: criteria provided, conflicting classifications (1 of 4 stars). 9 submissions from 9 submitters: Uncertain significance (1); Benign (2); Likely benign (5). 1 of the submissions does not count toward it. Last evaluated 2026-01-20.

Conditions:
Noonan syndrome and Noonan-related syndrome. Identifiers: Orphanet 98733, MedGen C5681679, MONDO:0020297.
SOS1-related disorder. Also called: SOS1-related condition.
Cardiovascular phenotype. Identifiers: MedGen CN230736.
RASopathy. Also called: Noonan spectrum disorder; rasopathies. Identifiers: Orphanet 536391, MedGen C5555857, MONDO:0021060.

Allele frequency attached by ClinVar (database versions not stated): TOPMed 0.00007; ExAC 0.00008; gnomAD exomes 0.00010 and 0.00011; gnomAD 0.00013; ESP Exome Variant Server 0.00054.
gnomAD v4.1: 172 of 1,604,462 alleles (0.011%); highest among the groups gnomAD compares: Non-Finnish European, 0.014%; no homozygotes.

Submissions (9):

Labcorp Genetics (formerly Invitae), Labcorp
Classification: Likely benign for RASopathy. Last evaluated: 2026-01-20. Review status: criteria provided, single submitter. Criteria: Invitae Variant Classification Sherloc (09022015). Collection method: clinical testing. Allele origin: germline.

CeGaT Center for Human Genetics Tuebingen
Classification: Likely benign. Last evaluated: 2025-04-01. Review status: criteria provided, single submitter. Criteria: CeGaT Center For Human Genetics Tuebingen Variant Classification Criteria Version 2. Collection method: clinical testing. Allele origin: germline. Affected: yes. Observed: 2 variant alleles.
Comment: SOS1: BP4, BS2

Blueprint Genetics
Classification: Likely benign. Last evaluated: 2024-05-30. Review status: criteria provided, single submitter. Criteria: ACMG Guidelines, 2015. Collection method: clinical testing. Allele origin: germline.

Ambry Genetics
Classification: Likely benign for Cardiovascular phenotype. Last evaluated: 2019-08-19. Review status: criteria provided, single submitter. Criteria: Ambry Variant Classification Scheme 2023. Collection method: clinical testing. Allele origin: germline.

Genome Diagnostics Laboratory, The Hospital for Sick Children
Classification: Uncertain significance for Noonan syndrome and Noonan-related syndrome. Last evaluated: 2018-05-01. Review status: criteria provided, single submitter. Criteria: ACMG Guidelines, 2015. Collection method: clinical testing. Allele origin: germline.

Women's Health and Genetics/Laboratory Corporation of America, LabCorp
Classification: Benign. Last evaluated: 2016-03-28. Review status: criteria provided, single submitter. Criteria: LabCorp Variant Classification Summary - May 2015. Collection method: clinical testing. Allele origin: germline.
Comment: Variant Summary: The variant of interest causes a synonymous change involving a non-conserved nucleotide with 3/5 in silico programs predicting no significant effect on splicing, although these predictions have yet to be functionally assessed. The variant of interest was observed in the large, broad control population, ExAC, with an allele frequency of 10/118094 (1/11809), predominantly found in the European (Non-Finnish) cohort with an allele frequency of 10/64930 (1/6493), which exceeds the predicted maximum expected allele frequency for a pathogenic SOS1 variant, 1/33333. Therefore, suggesting that the variant of interest is a polymorrphism common to population(s) of European (Non-Finnish) origin. The variant of interest, to our knowledge, has not been reported in affected individual via publications, although multiple reputable clinical laboratories cite the variant with a classification of "likely benign/benign." Therefore, taking all available lines of evidence into consideration, the variant of interest is classified as Benign.

Eurofins Ntd Llc (ga)
Classification: Likely benign. Last evaluated: 2015-04-07. Review status: criteria provided, single submitter. Criteria: EGL Classification Definitions 2015. Collection method: clinical testing. Allele origin: germline. Observed: 1 variant allele, 1 heterozygote.

GeneDx
Classification: Benign. Last evaluated: 2014-03-12. Review status: criteria provided, single submitter. Criteria: GeneDx Variant Classification (06012015). Collection method: clinical testing. Allele origin: germline. Affected: yes.
Comment: This variant is considered likely benign or benign based on one or more of the following criteria: it is a conservative change, it occurs at a poorly conserved position in the protein, it is predicted to be benign by multiple in silico algorithms, and/or has population frequency not consistent with disease.

PreventionGenetics, part of Exact Sciences
Classification: Likely benign for SOS1-related condition. Last evaluated: 2020-05-05. Review status: no assertion criteria provided. Collection method: clinical testing. Allele origin: germline. Not counted in ClinVar's aggregate classification.
Comment: This variant is classified as likely benign based on ACMG/AMP sequence variant interpretation guidelines (Richards et al. 2015 PMID: 25741868, with internal and published modifications).

NM_005633.4(SOS1):c.1953A>G (p.Pro651=)

Gene: SOS1 (SOS Ras/Rac guanine nucleotide exchange factor 1; minus strand). Cytogenetic location: 2p22.1.
Variant type: single nucleotide variant.
Coding change: c.1953A>G on transcript NM_005633.4 (MANE Select); coding-DNA position 1953, A replaced by G.
Protein change: p.Pro651=; no amino-acid change (proline 651 retained).
Molecular consequence: synonymous variant.
Genome position (GRCh38, 1-based): chr2:39,013,977, T>C on the plus strand (A>G on the coding strand, the complement: SOS1 is on the minus strand). VCF-style: chr2-39013977-T-C. GRCh37 (hg19) VCF-style: chr2-39241118-T-C.
Other names: p.P651P:CCA>CCG; c.1932A>G, p.Pro644= (NM_001382394.1); c.1953A>G, p.Pro651= (NM_001382395.1).
Identifiers: ClinVar variation 139225 (VCV000139225.46), dbSNP rs141507912, ClinGen allele CA200951.
Genomic context (GRCh38, chr2:39,013,977, plus strand): 5'-ACTCAAGGGTTGATCTCCATTCTCTATAGCTATGCGATCAGCTTCTGTTGGCTCAGGCTC[T>C]GGAATTTCAAACCTAACATAAAATAGAACAAATTAATGAAAAGACTAATTATATCGAGTT-3'
Protein context (NP_005624.2, residues 641-661): LSLIIERFEI[Pro651=]EPEPTEADRI